The following is an entry in ClinVar:

NM_001278293.3(ARL6):c.153A>C (p.Ile51=)

Gene: ARL6 (ARF like GTPase 6; plus strand). Cytogenetic location: 3q11.2.
Variant type: single nucleotide variant.
Coding change: c.153A>C on transcript NM_001278293.3 (MANE Select); coding-DNA position 153, A replaced by C.
Protein change: p.Ile51=; no amino-acid change (isoleucine 51 retained).
Molecular consequence: synonymous variant. On other transcripts: non-coding transcript variant (7).
Genome position (GRCh38, 1-based): chr3:97,780,188, A>C. VCF-style: chr3-97780188-A-C. GRCh37 (hg19) VCF-style: chr3-97499032-A-C.
Other names: c.153A>C, p.Ile51= (NM_001323513.2, NM_001323514.2, NM_032146.5 and 1 more transcripts).
Identifiers: ClinVar variation 1918874 (VCV001918874.7), dbSNP rs770485234, ClinGen allele CA2505872.

ClinVar aggregate classification (germline): Likely benign. Review status: criteria provided, single submitter (1 of 4 stars). 2 submissions from 2 submitters: Likely benign (1). 1 of the submissions does not count toward it. Last evaluated 2025-03-25.

Conditions:
ARL6-related disorder. Also called: ARL6-related condition.
Retinitis pigmentosa 55 (RP55). Identifiers: Orphanet 791, MedGen C3150808, MONDO:0013312, OMIM 613575.
Bardet-Biedl syndrome 3 (BBS3). Identifiers: Orphanet 110, MedGen C1859564, MONDO:0010832, OMIM 600151.

gnomAD v4.1: 32 of 1,613,226 alleles (0.002%); highest among the groups gnomAD compares: South Asian, 0.034%; no homozygotes.

Submissions (2):

Labcorp Genetics (formerly Invitae), Labcorp
Classification: Likely benign for Retinitis pigmentosa 55; Bardet-Biedl syndrome 3. Last evaluated: 2025-03-25. Review status: criteria provided, single submitter. Criteria: Invitae Variant Classification Sherloc (09022015). Collection method: clinical testing. Allele origin: germline.

PreventionGenetics, part of Exact Sciences
Classification: Likely benign for ARL6-related condition. Last evaluated: 2023-12-06. Review status: no assertion criteria provided. Collection method: clinical testing. Allele origin: germline. Not counted in ClinVar's aggregate classification.
Comment: This variant is classified as likely benign based on ACMG/AMP sequence variant interpretation guidelines (Richards et al. 2015 PMID: 25741868, with internal and published modifications).